The following is an entry in ClinVar:

NM_005732.4(RAD50):c.490T>C (p.Trp164Arg)

Gene: RAD50 (RAD50 double strand break repair protein; plus strand). Cytogenetic location: 5q31.1.
Variant type: single nucleotide variant.
Coding change: c.490T>C on transcript NM_005732.4 (MANE Select); coding-DNA position 490, T replaced by C.
Protein change: p.Trp164Arg; replaces tryptophan 164 with arginine.
Molecular consequence: missense variant.
Genome position (GRCh38, 1-based): chr5:132,579,441, T>C. VCF-style: chr5-132579441-T-C. GRCh37 (hg19) VCF-style: chr5-131915133-T-C.
Other names: short protein forms W164R.
Identifiers: ClinVar variation 231252 (VCV000231252.14), dbSNP rs876659053, ClinGen allele CA10578490.

ClinVar aggregate classification (germline): Uncertain significance. Review status: criteria provided, multiple submitters, no conflicts (2 of 4 stars). 2 submissions from 2 submitters: Uncertain significance (2). Last evaluated 2025-01-24.

Conditions:
Hereditary cancer-predisposing syndrome. Also called: Neoplastic Syndromes, Hereditary; Tumor predisposition; Hereditary Cancer Syndrome; Hereditary neoplastic syndrome. Identifiers: Orphanet 140162, MedGen C0027672, MeSH D009386, MONDO:0015356.

Allele frequency attached by ClinVar (database versions not stated): gnomAD 0.00001; gnomAD exomes 0.00001; TOPMed 0.00001.
gnomAD v4.1: 9 of 1,613,872 alleles (0.00056%); highest among the groups gnomAD compares: Non-Finnish European, 0.00076%; no homozygotes.

Submissions (2):

Ambry Genetics
Classification: Uncertain significance for Hereditary cancer-predisposing syndrome. Last evaluated: 2025-01-24. Review status: criteria provided, single submitter. Criteria: Ambry Variant Classification Scheme 2023. Collection method: clinical testing. Allele origin: germline.
Comment: The p.W164R variant (also known as c.490T>C), located in coding exon 4 of the RAD50 gene, results from a T to C substitution at nucleotide position 490. The tryptophan at codon 164 is replaced by arginine, an amino acid with dissimilar properties. This amino acid position is well conserved in available vertebrate species. In addition, the in silico prediction for this alteration is inconclusive. Since supporting evidence is limited at this time, the clinical significance of this alteration remains unclear.

Labcorp Genetics (formerly Invitae), Labcorp
Classification: Uncertain significance for Hereditary cancer-predisposing syndrome. Last evaluated: 2024-04-05. Review status: criteria provided, single submitter. Criteria: Invitae Variant Classification Sherloc (09022015). Collection method: clinical testing. Allele origin: germline.
Comment: This sequence change replaces tryptophan, which is neutral and slightly polar, with arginine, which is basic and polar, at codon 164 of the RAD50 protein (p.Trp164Arg). This variant is not present in population databases (gnomAD no frequency). This variant has not been reported in the literature in individuals affected with RAD50-related conditions. ClinVar contains an entry for this variant (Variation ID: 231252). Advanced modeling of protein sequence and biophysical properties (such as structural, functional, and spatial information, amino acid conservation, physicochemical variation, residue mobility, and thermodynamic stability) performed at Invitae indicates that this missense variant is expected to disrupt RAD50 protein function with a positive predictive value of 80%. In summary, the available evidence is currently insufficient to determine the role of this variant in disease. Therefore, it has been classified as a Variant of Uncertain Significance.